The following is an entry in ClinVar:

NM_000550.3(TYRP1):c.-6A>G

Gene: TYRP1 (tyrosinase related protein 1; plus strand). Cytogenetic location: 9p23.
Variant type: single nucleotide variant.
Coding change: c.-6A>G on transcript NM_000550.3 (MANE Select); 6 bases upstream of the start codon, A replaced by G.
Molecular consequence: 5 prime UTR variant.
Genome position (GRCh38, 1-based): chr9:12,693,991, A>G. VCF-style: chr9-12693991-A-G. GRCh37 (hg19) VCF-style: chr9-12693991-A-G.
Identifiers: ClinVar variation 364850 (VCV000364850.6), dbSNP rs200838609, ClinGen allele CA4985082.

ClinVar aggregate classification (germline): Uncertain significance. Review status: criteria provided, single submitter (1 of 4 stars). 2 submissions from 2 submitters: Uncertain significance (1). 1 of the submissions does not count toward it. Last evaluated 2018-01-13.

Conditions:
Oculocutaneous albinism type 3 (OCA3). Also called: ALBINISM III; RUFOUS OCULOCUTANEOUS ALBINISM; XANTHISM; Albinism, oculocutaneous, type III; Rufous OCA; Rufous albinism. Identifiers: Orphanet 79433, MedGen C0342683, MONDO:0008747, OMIM 203290.
TYRP1-related disorder. Also called: TYRP1-related condition.

Allele frequency attached by ClinVar (database versions not stated): gnomAD exomes 0.00005 and 0.00006; TOPMed 0.00005; ExAC 0.00007; gnomAD 0.00007 and 0.00008; ESP Exome Variant Server 0.00015.

Submissions (2):

Illumina Laboratory Services, Illumina
Classification: Uncertain significance for Oculocutaneous albinism type 3. Last evaluated: 2018-01-13. Review status: criteria provided, single submitter. Criteria: ICSL Variant Classification Criteria 13 December 2019. Collection method: clinical testing. Allele origin: germline.

PreventionGenetics, part of Exact Sciences
Classification: Uncertain significance for TYRP1-related condition. Last evaluated: 2024-08-27. Review status: no assertion criteria provided. Collection method: clinical testing. Allele origin: germline. Not counted in ClinVar's aggregate classification.
Comment: The TYRP1 c.-6A>G variant is located in the 5' untranslated region. To our knowledge, this pre-coding variant has not been reported in the literature. This variant is reported in 0.011% of alleles in individuals of European (Non-Finnish) descent in gnomAD. At this time, the clinical significance of this variant is uncertain due to the absence of conclusive functional and genetic evidence.